The following is an entry in ClinVar:

ClinVar aggregate classification (germline): Uncertain significance (1 of 4 stars; one submission).

Conditions:
Microphthalmia, syndromic 12 (MCOPS12). Also called: MICROPHTHALMIA WITH OR WITHOUT PULMONARY HYPOPLASIA, DIAPHRAGMATIC HERNIA, AND/OR CARDIAC DEFECTS. Identifiers: Orphanet 2470, Orphanet 689829, MedGen C3809803, MONDO:0014229, OMIM 615524.

Submission:

3billion
Classification: Uncertain significance for Microphthalmia, syndromic 12. Last evaluated: 2025-06-10. Review status: criteria provided, single submitter. Criteria: ACMG Guidelines, 2015. Collection method: clinical testing. Allele origin: germline. Affected: yes.
Comment: The variant is not observed in the gnomAD v4.1.0 dataset. Predicted Consequence/Location: Missense variant Damaging effect on gene or gene product predicted by in silico programs is uncertain [3Cnet: 0.62 (damaging >0.75, benign <0.1)]. A different missense change at the same codon (p.Pro400Leu) has been reported to be associated with RARB-related disorder (ClinVar ID: VCV003377400). However the evidence of pathogenicity is insufficient at this time. Therefore, this variant is classified as VUS according to the recommendation of ACMG/AMP guideline.

NM_000965.5(RARB):c.1198C>G (p.Pro400Ala)

Gene: RARB (retinoic acid receptor beta; plus strand). Cytogenetic location: 3p24.2.
Variant type: single nucleotide variant.
Coding change: c.1198C>G on transcript NM_000965.5 (MANE Select); coding-DNA position 1198, C replaced by G.
Protein change: p.Pro400Ala; replaces proline 400 with alanine.
Molecular consequence: missense variant. On other transcripts: non-coding transcript variant (2).
Genome position (GRCh38, 1-based): chr3:25,596,467, C>G. VCF-style: chr3-25596467-C-G. GRCh37 (hg19) VCF-style: chr3-25637958-C-G.
Other names: c.1219C>G, p.Pro407Ala (NM_001290216.3); c.862C>G, p.Pro288Ala (NM_001290217.2, NM_001290276.2, NM_016152.4); c.1051C>G, p.Pro351Ala (NM_001290266.2); c.1060C>G, p.Pro354Ala (NM_001290277.1); c.1069C>G, p.Pro357Ala (NM_001290300.2); short protein forms P288A, P351A, P354A, P357A, P400A, P407A.
Identifiers: ClinVar variation 4854295 (VCV004854295.1).
Genomic context (GRCh38, chr3:25,596,467, plus strand): 5'-CTCTTTTGAAAAGGTGCAGAGCGTGTAATTACCTTGAAAATGGAAATTCCTGGATCAATG[C>G]CACCTCTCATTCAAGAAATGCTGGAGAATTCTGAAGGACATGAACCCTTGACCCCAAGTT-3'
Protein context (NP_000956.2, residues 390-410): TLKMEIPGSM[Pro400Ala]PLIQEMLENS